The following is an entry in ClinVar:

ClinVar aggregate classification (germline): Likely benign. Review status: criteria provided, multiple submitters, no conflicts (2 of 4 stars). 2 submissions from 2 submitters: Likely benign (2). Last evaluated 2025-10-10.

Conditions:
Koolen-de Vries syndrome (KDVS). Identifiers: Orphanet 96169, MedGen C1864871, MONDO:0012496, OMIM 610443.

Allele frequency attached by ClinVar (database versions not stated): gnomAD exomes below 0.00001; ExAC 0.00001; TOPMed 0.00004; gnomAD 0.00006; ESP Exome Variant Server 0.00008; 1000 Genomes Project 30x 0.00016; 1000 Genomes Project 0.00020.
gnomAD v4.1: 13 of 1,614,028 alleles (0.00081%); highest among the groups gnomAD compares: African/African-American, 0.013%; no homozygotes.

Submissions (2):

Labcorp Genetics (formerly Invitae), Labcorp
Classification: Likely benign for Koolen-de Vries syndrome. Last evaluated: 2025-10-10. Review status: criteria provided, single submitter. Criteria: Invitae Variant Classification Sherloc (09022015). Collection method: clinical testing. Allele origin: germline.

GeneDx
Classification: Likely benign. Last evaluated: 2016-11-16. Review status: criteria provided, single submitter. Criteria: GeneDx Variant Classification (06012015). Collection method: clinical testing. Allele origin: germline. Affected: yes.
Comment: This variant is considered likely benign or benign based on one or more of the following criteria: it is a conservative change, it occurs at a poorly conserved position in the protein, it is predicted to be benign by multiple in silico algorithms, and/or has population frequency not consistent with disease.

NM_015443.4(KANSL1):c.2538A>G (p.Thr846=)

Gene: KANSL1 (KAT8 regulatory NSL complex subunit 1). Cytogenetic location: 17q21.31.
Variant type: single nucleotide variant.
Coding change: c.2538A>G on transcript NM_015443.4 (MANE Select); coding-DNA position 2538, A replaced by G.
Protein change: p.Thr846=; no amino-acid change (threonine 846 retained).
Molecular consequence: synonymous variant.
Genome position (GRCh38, 1-based): chr17:46,038,541, T>C on the plus strand (A>G on the coding strand, the complement: KANSL1 is on the minus strand). VCF-style: chr17-46038541-T-C. GRCh37 (hg19) VCF-style: chr17-44115907-T-C.
Other names: c.2538A>G, p.Thr846= (NM_001193465.2, NM_001193466.2, NM_001379198.1).
Identifiers: ClinVar variation 390996 (VCV000390996.9), dbSNP rs148718200, ClinGen allele CA8618544.